The following is an entry in ClinVar:

ClinVar aggregate classification (germline): Likely benign (1 of 4 stars; one submission).

Allele frequency attached by ClinVar (database versions not stated): ExAC 0.00002; gnomAD exomes 0.00002; TOPMed 0.00002; gnomAD 0.00004; 1000 Genomes Project 0.00060; 1000 Genomes Project 30x 0.00078.
gnomAD v4.1: 37 of 1,613,658 alleles (0.0023%); highest among the groups gnomAD compares: Admixed American, 0.01%; no homozygotes.

Submission:

CeGaT Center for Human Genetics Tuebingen
Classification: Likely benign. Last evaluated: 2023-04-01. Review status: criteria provided, single submitter. Criteria: CeGaT Center For Human Genetics Tuebingen Variant Classification Criteria Version 2. Collection method: clinical testing. Allele origin: germline. Affected: yes. Observed: 2 variant alleles.
Comment: EIF2AK2: BP4, BP7

NM_001135651.3(EIF2AK2):c.198C>T (p.Ala66=)

Gene: EIF2AK2 (eukaryotic translation initiation factor 2 alpha kinase 2; minus strand). Cytogenetic location: 2p22.2.
Variant type: single nucleotide variant.
Coding change: c.198C>T on transcript NM_001135651.3 (MANE Select); coding-DNA position 198, C replaced by T.
Protein change: p.Ala66=; no amino-acid change (alanine 66 retained).
Molecular consequence: synonymous variant.
Genome position (GRCh38, 1-based): chr2:37,146,895, G>A on the plus strand (C>T on the coding strand, the complement: EIF2AK2 is on the minus strand). VCF-style: chr2-37146895-G-A. GRCh37 (hg19) VCF-style: chr2-37374038-G-A.
Other names: c.198C>T, p.Ala66= (NM_001135652.3, NM_002759.4).
Identifiers: ClinVar variation 2650834 (VCV002650834.24), dbSNP rs180726204, ClinGen allele CA1615403.